The following is an entry in ClinVar:

ClinVar aggregate classification (germline): Uncertain significance. Review status: criteria provided, multiple submitters, no conflicts (2 of 4 stars). 2 submissions from 2 submitters: Uncertain significance (2). Last evaluated 2025-03-10.

Conditions:
Inborn genetic diseases. Identifiers: MedGen C0950123, MeSH D030342.

Allele frequency attached by ClinVar (database versions not stated): gnomAD 0.00001; TOPMed 0.00001; ExAC 0.00002; gnomAD exomes 0.00003 and 0.00004.
gnomAD v4.1: 46 of 1,613,996 alleles (0.0029%); highest among the groups gnomAD compares: Admixed American, 0.013%; no homozygotes.

Submissions (2):

Labcorp Genetics (formerly Invitae), Labcorp
Classification: Uncertain significance. Last evaluated: 2025-03-10. Review status: criteria provided, single submitter. Criteria: Invitae Variant Classification Sherloc (09022015). Collection method: clinical testing. Allele origin: germline.
Comment: This sequence change replaces valine, which is neutral and non-polar, with alanine, which is neutral and non-polar, at codon 2774 of the VCAN protein (p.Val2774Ala). This variant is present in population databases (rs756185444, gnomAD 0.02%). This variant has not been reported in the literature in individuals affected with VCAN-related conditions. ClinVar contains an entry for this variant (Variation ID: 1495553). An algorithm developed to predict the effect of missense changes on protein structure and function (PolyPhen-2) suggests that this variant is likely to be tolerated. In summary, the available evidence is currently insufficient to determine the role of this variant in disease. Therefore, it has been classified as a Variant of Uncertain Significance.

Ambry Genetics
Classification: Uncertain significance for Inborn genetic diseases. Last evaluated: 2024-01-19. Review status: criteria provided, single submitter. Criteria: Ambry Variant Classification Scheme 2023. Collection method: clinical testing. Allele origin: germline.

NM_004385.5(VCAN):c.8321T>C (p.Val2774Ala)

Genes: VCAN (versican; plus strand), VCAN-AS1 (VCAN antisense RNA 1; minus strand). Cytogenetic location: 5q14.3.
Variant type: single nucleotide variant.
Coding change: c.8321T>C on transcript NM_004385.5 (MANE Select); coding-DNA position 8321, T replaced by C.
Protein change: p.Val2774Ala; replaces valine 2774 with alanine.
Molecular consequence: missense variant. On other transcripts: intron variant (2).
Genome position (GRCh38, 1-based): chr5:83,541,324, T>C. VCF-style: chr5-83541324-T-C. GRCh37 (hg19) VCF-style: chr5-82837143-T-C.
Other names: c.5360T>C, p.Val1787Ala (NM_001164097.2); c.4004-4213T>C (NM_001164098.2); c.1043-4213T>C (NM_001126336.3); c.8321T>C (NM_004385.4); short protein forms V2774A, V1787A.
Identifiers: ClinVar variation 1495553 (VCV001495553.7), dbSNP rs756185444, ClinGen allele CA3333785.